The following is an entry in ClinVar:

ClinVar aggregate classification (germline): Uncertain significance (1 of 4 stars; one submission).

gnomAD v4.1: 1 of 1,613,866 alleles (0.000062%); no homozygotes.

Submission:

Labcorp Genetics (formerly Invitae), Labcorp
Classification: Uncertain significance. Last evaluated: 2025-09-22. Review status: criteria provided, single submitter. Criteria: Invitae Variant Classification Sherloc (09022015). Collection method: clinical testing. Allele origin: germline.
Comment: This sequence change replaces isoleucine, which is neutral and non-polar, with valine, which is neutral and non-polar, at codon 1551 of the VCAN protein (p.Ile1551Val). This variant is not present in population databases (gnomAD no frequency). This variant has not been reported in the literature in individuals affected with VCAN-related conditions. ClinVar contains an entry for this variant (Variation ID: 1369076). An algorithm developed to predict the effect of missense changes on protein structure and function outputs the following: PolyPhen-2: "Benign". The valine amino acid residue is found in multiple mammalian species, which suggests that this missense change does not adversely affect protein function. In summary, the available evidence is currently insufficient to determine the role of this variant in disease. Therefore, it has been classified as a Variant of Uncertain Significance.

NM_004385.5(VCAN):c.4651A>G (p.Ile1551Val)

Genes: VCAN (versican; plus strand), VCAN-AS1 (VCAN antisense RNA 1; minus strand). Cytogenetic location: 5q14.3.
Variant type: single nucleotide variant.
Coding change: c.4651A>G on transcript NM_004385.5 (MANE Select); coding-DNA position 4651, A replaced by G.
Protein change: p.Ile1551Val; replaces isoleucine 1551 with valine.
Molecular consequence: missense variant. On other transcripts: intron variant (2).
Genome position (GRCh38, 1-based): chr5:83,537,654, A>G. VCF-style: chr5-83537654-A-G. GRCh37 (hg19) VCF-style: chr5-82833473-A-G.
Other names: c.1690A>G, p.Ile564Val (NM_001164097.2); c.4004-7883A>G (NM_001164098.2); c.1043-7883A>G (NM_001126336.3); short protein forms I564V, I1551V.
Identifiers: ClinVar variation 1369076 (VCV001369076.8), dbSNP rs1341052302, ClinGen allele CA360308712.